The following is an entry in ClinVar:

ClinVar aggregate classification (germline): Uncertain significance (1 of 4 stars; one submission).

Conditions:
Multiple sulfatase deficiency (MSD). Also called: Mucosulfatidosis; Multiple Sulfatase Deficiency Disease; Sulfatidosis, Juvenile, Austin Type. Identifiers: Orphanet 585, MedGen C0268263, MONDO:0010088, OMIM 272200.

Allele frequency attached by ClinVar (database versions not stated): TOPMed below 0.00001.
gnomAD v4.1: 4 of 1,613,762 alleles (0.00025%); highest among the groups gnomAD compares: Admixed American, 0.005%; no homozygotes.

Submission:

Labcorp Genetics (formerly Invitae), Labcorp
Classification: Uncertain significance for Multiple sulfatase deficiency. Last evaluated: 2022-07-12. Review status: criteria provided, single submitter. Criteria: Invitae Variant Classification Sherloc (09022015). Collection method: clinical testing. Allele origin: germline.
Comment: This sequence change affects codon 280 of the SUMF1 mRNA. It is a 'silent' change, meaning that it does not change the encoded amino acid sequence of the SUMF1 protein. It affects a nucleotide within the consensus splice site. This variant is present in population databases (no rsID available, gnomAD 0.01%). This variant has not been reported in the literature in individuals affected with SUMF1-related conditions. ClinVar contains an entry for this variant (Variation ID: 1510233). Algorithms developed to predict the effect of sequence changes on RNA splicing suggest that this variant is not likely to affect RNA splicing. In summary, the available evidence is currently insufficient to determine the role of this variant in disease. Therefore, it has been classified as a Variant of Uncertain Significance.

NM_182760.4(SUMF1):c.840T>G (p.Pro280=)

Gene: SUMF1 (sulfatase modifying factor 1; minus strand). Cytogenetic location: 3p26.1.
Variant type: single nucleotide variant.
Coding change: c.840T>G on transcript NM_182760.4 (MANE Select); coding-DNA position 840, T replaced by G.
Protein change: p.Pro280=; no amino-acid change (proline 280 retained).
Molecular consequence: synonymous variant.
Genome position (GRCh38, 1-based): chr3:4,417,128, A>C on the plus strand (T>G on the coding strand, the complement: SUMF1 is on the minus strand). VCF-style: chr3-4417128-A-C. GRCh37 (hg19) VCF-style: chr3-4458812-A-C.
Other names: c.765T>G, p.Pro255= (NM_001164674.2); c.840T>G, p.Pro280= (NM_001164675.2).
Identifiers: ClinVar variation 1510233 (VCV001510233.5), dbSNP rs1435083804, ClinGen allele CA432311722.
Genomic context (GRCh38, chr3:4,417,128, plus strand): 5'-TCTACTGGGAGCCTCAGTTCTCAGCAGCTGCCACCCTCCTGCAGAGGTCTCATTACTCAC[A>C]GGCGCAGTTCCTTGGAAGCCATCCTCACCAGTGTTGGTCACCGGAAACTCGCCCTGCCAA-3'
Protein context (NP_877437.2, residues 270-290): TGEDGFQGTA[Pro280=]VDAFPPNGYG